The following is an entry in ClinVar:

ClinVar aggregate classification (germline): Likely pathogenic (1 of 4 stars; one submission).

Conditions:
Alport syndrome. Also called: Hemorrhagic familial nephritis; Hemorrhagic hereditary nephritis; Congenital hereditary hematuria. Identifiers: Orphanet 63, MedGen C1567741, MONDO:0018965.

gnomAD v4.1: 1 of 1,613,948 alleles (0.000062%); highest among the groups gnomAD compares: Non-Finnish European, 0.000085%; no homozygotes.

Submission:

Natera, Inc.
Classification: Likely pathogenic for Alport syndrome. Last evaluated: 2025-08-25. Review status: criteria provided, single submitter. Criteria: Natera Variant Classification Schema (03/2026). Collection method: clinical testing. Allele origin: germline.
Comment: The c.3239G>C variant in COL4A3 is a missense variant predicted to cause substitution of glycine to alanine at amino acid 1080. This variant is rare in the general population with a frequency below the threshold expected for the associated phenotype(s). This variant is located in a functionally critical region of the protein. Computational prediction algorithms indicate this variant is likely to affect gene or protein function. Given the available evidence, this variant is classified as Likely Pathogenic.

NM_000091.5(COL4A3):c.3239G>C (p.Gly1080Ala)

Genes: MFF-DT (MFF divergent transcript; minus strand), COL4A3 (collagen type IV alpha 3 chain; plus strand). Cytogenetic location: 2q36.3.
Variant type: single nucleotide variant.
Coding change: c.3239G>C on transcript NM_000091.5 (MANE Select); coding-DNA position 3239, G replaced by C.
Protein change: p.Gly1080Ala; replaces glycine 1080 with alanine.
Molecular consequence: missense variant.
Genome position (GRCh38, 1-based): chr2:227,293,219, G>C. VCF-style: chr2-227293219-G-C. GRCh37 (hg19) VCF-style: chr2-228157935-G-C.
Other names: short protein forms G1080A.
Identifiers: ClinVar variation 4817243 (VCV004817243.1).